The following is an entry in ClinVar:

NM_152564.5(VPS13B):c.5577del (p.Ala1860fs)

Gene: VPS13B (vacuolar protein sorting 13 homolog B; plus strand). Cytogenetic location: 8q22.2.
Variant type: Deletion.
Coding change: c.5577del on transcript NM_152564.5 (MANE Select); coding-DNA position 5577, one base deleted (T; older notation c.5577delT).
Protein change: p.Ala1860fs; shifts the reading frame from alanine 1860.
Molecular consequence: frameshift variant.
Genome position (GRCh38, 1-based): chr8:99,642,167, T deleted; the last of 2 consecutive T bases (chr8:99,642,166-99,642,167); deleting either gives the same sequence. VCF-style (leftmost placement, unchanged base first): chr8-99642165-GT-G. GRCh37 (hg19) VCF-style: chr8-100654393-GT-G.
Other names: c.5652del, p.Ala1885fs (NM_017890.5); short protein forms A1885fs, A1860fs.
Identifiers: ClinVar variation 2710758 (VCV002710758.3), dbSNP rs2491207478, ClinGen allele CA2697550067.
Genomic context (GRCh38, chr8:99,642,165, plus strand): 5'-CAGAAGAATAATGAAAAAACAGACAAGAGTTCATTAAATCTCCCAGAAGTTGATTCAGAT[GT>G]TGCTAAGCCCAACCAGGCATGTATTTCCACGGTGACAGCAGAAGATCTCTTAAGGAGCAG-3'

ClinVar aggregate classification (germline): Pathogenic (1 of 4 stars; one submission).

Conditions:
Cohen syndrome (COH1). Also called: Cutis verticis gyrata, retinitis pigmentosa, and sensorineural deafness; PEPPER SYNDROME. Identifiers: Orphanet 193, MedGen C0265223, MONDO:0008999, OMIM 216550.

Submission:

Labcorp Genetics (formerly Invitae), Labcorp
Classification: Pathogenic for Cohen syndrome. Last evaluated: 2024-01-22. Review status: criteria provided, single submitter. Criteria: Invitae Variant Classification Sherloc (09022015). Collection method: clinical testing. Allele origin: germline.
Comment: This sequence change creates a premature translational stop signal (p.Ala1885Leufs*11) in the VPS13B gene. It is expected to result in an absent or disrupted protein product. Loss-of-function variants in VPS13B are known to be pathogenic (PMID: 15141358, 16648375, 20461111). This variant is not present in population databases (gnomAD no frequency). This variant has not been reported in the literature in individuals affected with VPS13B-related conditions. For these reasons, this variant has been classified as Pathogenic.

Literature cited by the submitters: PubMed 15141358; PubMed 16648375; PubMed 20461111.